The following is an entry in ClinVar:

ClinVar aggregate classification (germline): Benign/Likely benign. Review status: criteria provided, multiple submitters, no conflicts (2 of 4 stars). 13 submissions from 13 submitters: Benign (9); Likely benign (1). 3 of the submissions do not count toward it. Last evaluated 2026-06-08.

Conditions:
Autosomal recessive nonsyndromic hearing loss 9. Also called: OTOF-Related Hearing Loss; Deafness, autosomal recessive 9; AUDITORY NEUROPATHY, AUTOSOMAL RECESSIVE, 1, TEMPERATURE-SENSITIVE; NEUROSENSORY NONSYNDROMIC RECESSIVE DEAFNESS 9. Identifiers: Orphanet 90636, MedGen C1832828, MONDO:0010986, OMIM 601071.

Allele frequency attached by ClinVar (database versions not stated): 1000 Genomes Project 30x 0.27295; gnomAD 0.35770 and 0.35740; gnomAD exomes 0.40412 and 0.45378; 1000 Genomes Project 0.26997; TOPMed 0.36160; ExAC 0.43498; ESP Exome Variant Server 0.36791.

Submissions (13):

Women's Health and Genetics/Laboratory Corporation of America, LabCorp
Classification: Likely benign. Last evaluated: 2026-06-08. Review status: criteria provided, single submitter. Criteria: LabCorp Variant Classification Summary - May 2015. Collection method: clinical testing. Allele origin: germline.

Labcorp Genetics (formerly Invitae), Labcorp
Classification: Benign. Last evaluated: 2026-02-04. Review status: criteria provided, single submitter. Criteria: Invitae Variant Classification Sherloc (09022015). Collection method: clinical testing. Allele origin: germline.

Genome-Nilou Lab
Classification: Benign for Autosomal recessive nonsyndromic hearing loss 9. Last evaluated: 2021-09-05. Review status: criteria provided, single submitter. Criteria: ACMG Guidelines, 2015. Collection method: clinical testing. Allele origin: germline. Affected: no.

Mayo Clinic Laboratories, Mayo Clinic
Classification: Benign. Last evaluated: 2019-06-04. Review status: criteria provided, single submitter. Criteria: ACMG Guidelines, 2015. Collection method: clinical testing. Allele origin: germline. Observed: 138 variant alleles.

Mendelics
Classification: Benign for Autosomal recessive nonsyndromic hearing loss 9. Last evaluated: 2019-05-28. Review status: criteria provided, single submitter. Criteria: Mendelics Assertion Criteria 2017. Collection method: clinical testing. Allele origin: unknown.

Laboratory for Molecular Medicine, Mass General Brigham Personalized Medicine
Classification: Benign. Last evaluated: 2019-02-07. Review status: criteria provided, single submitter. Criteria: LMM Criteria. Collection method: clinical testing. Allele origin: germline. Observed: 1,476 variant alleles.
Comment: The p.Arg82Cys variant in OTOF is classified as benign because it has been identified in 40% (104,089/262,952) of total chromosomes by gnomAD. ACMG/AMP Criteria applied: BA1.

Illumina Laboratory Services, Illumina
Classification: Benign for Autosomal recessive nonsyndromic hearing loss 9. Last evaluated: 2018-01-12. Review status: criteria provided, single submitter. Criteria: ICSL Variant Classification Criteria 13 December 2019. Collection method: clinical testing. Allele origin: germline.
Comment: This variant was observed in the ICSL laboratory as part of a predisposition screen in an ostensibly healthy population. It had not been previously curated by ICSL or reported in the Human Gene Mutation Database (HGMD: prior to June 1st, 2018), and was therefore a candidate for classification through an automated scoring system. Utilizing variant allele frequency, disease prevalence and penetrance estimates, and inheritance mode, an automated score was calculated to assess if this variant is too frequent to cause the disease. Based on the score and internal cut-off values, a variant classified as benign is not then subjected to further curation. The score for this variant resulted in a classification of benign for this disease.

GeneDx
Classification: Benign. Last evaluated: 2017-05-09. Review status: criteria provided, single submitter. Criteria: GeneDx Variant Classification (06012015). Collection method: clinical testing. Allele origin: germline. Affected: yes.
Comment: This variant is considered likely benign or benign based on one or more of the following criteria: it is a conservative change, it occurs at a poorly conserved position in the protein, it is predicted to be benign by multiple in silico algorithms, and/or has population frequency not consistent with disease.

Breakthrough Genomics
Classification: Benign. Review status: criteria provided, single submitter. Criteria: ACMG Guidelines, 2015. Collection method: not provided. Allele origin: germline. Inheritance: Autosomal recessive inheritance. Affected: yes.

PreventionGenetics, part of Exact Sciences
Classification: Benign. Review status: criteria provided, single submitter. Criteria: ACMG Guidelines, 2015. Collection method: clinical testing. Allele origin: germline.

Diagnostic Laboratory, Department of Genetics, University Medical Center Groningen
Classification: Benign. Review status: no assertion criteria provided. Collection method: clinical testing. Allele origin: germline. Affected: yes. Study: VKGL Data-share Consensus. Not counted in ClinVar's aggregate classification.

GeneReviews
No classification provided. Condition: Autosomal recessive nonsyndromic hearing loss 9. Review status: no classification provided. Collection method: literature only. Allele origin: unknown. Not counted in ClinVar's aggregate classification.

Joint Genome Diagnostic Labs from Nijmegen and Maastricht, Radboudumc and MUMC+
Classification: Benign. Review status: no assertion criteria provided. Collection method: clinical testing. Allele origin: germline. Affected: yes. Study: VKGL Data-share Consensus. Not counted in ClinVar's aggregate classification.

Literature cited by the submitters: PubMed 20301429 (cited by GeneReviews); NCBI Bookshelf NBK1251 (cited by GeneReviews).

NM_194248.3(OTOF):c.244C>T (p.Arg82Cys)

Gene: OTOF (otoferlin; minus strand). Cytogenetic location: 2p23.3.
Variant type: single nucleotide variant.
Coding change: c.244C>T on transcript NM_194248.3 (MANE Select); coding-DNA position 244, C replaced by T.
Protein change: p.Arg82Cys; replaces arginine 82 with cysteine.
Molecular consequence: missense variant.
Genome position (GRCh38, 1-based): chr2:26,519,093, G>A on the plus strand (C>T on the coding strand, the complement: OTOF is on the minus strand). VCF-style: chr2-26519093-G-A. GRCh37 (hg19) VCF-style: chr2-26741961-G-A.
Other names: c.244C>T, p.Arg82Cys (NM_001287489.2); short protein forms R82C.
Identifiers: ClinVar variation 21836 (VCV000021836.31), dbSNP rs13031859, ClinGen allele CA142803.